The following is an entry in ClinVar:

ClinVar aggregate classification (germline): Pathogenic/Likely pathogenic. Review status: criteria provided, multiple submitters, no conflicts (2 of 4 stars). 2 submissions from 2 submitters: Pathogenic (1); Likely pathogenic (1). Last evaluated 2024-01-24.

Conditions:
Bloom syndrome (BLM). Also called: Bloom-Torre-Machacek syndrome. Identifiers: Orphanet 125, MedGen C0005859, MONDO:0008876, OMIM 210900.

Submissions (2):

Baylor Genetics
Classification: Likely pathogenic for Bloom syndrome. Last evaluated: 2024-01-24. Review status: criteria provided, single submitter. Criteria: ACMG Guidelines, 2015. Collection method: clinical testing. Allele origin: unknown.

Labcorp Genetics (formerly Invitae), Labcorp
Classification: Pathogenic for Bloom syndrome. Last evaluated: 2022-05-24. Review status: criteria provided, single submitter. Criteria: Invitae Variant Classification Sherloc (09022015). Collection method: clinical testing. Allele origin: germline.
Comment: For these reasons, this variant has been classified as Pathogenic. This variant has not been reported in the literature in individuals affected with BLM-related conditions. This variant is not present in population databases (gnomAD no frequency). This sequence change creates a premature translational stop signal (p.Arg1003*) in the BLM gene. It is expected to result in an absent or disrupted protein product. Loss-of-function variants in BLM are known to be pathogenic (PMID: 17407155).

Literature cited by the submitters: PubMed 17407155 (cited by Labcorp Genetics (formerly Invitae), Labcorp).

NM_000057.4(BLM):c.3007A>T (p.Arg1003Ter)

Gene: BLM (BLM RecQ like helicase; plus strand). Cytogenetic location: 15q26.1.
Variant type: single nucleotide variant.
Coding change: c.3007A>T on transcript NM_000057.4 (MANE Select); coding-DNA position 3007, A replaced by T.
Protein change: p.Arg1003Ter; replaces arginine 1003 with a stop codon.
Molecular consequence: nonsense.
Genome position (GRCh38, 1-based): chr15:90,790,832, A>T. VCF-style: chr15-90790832-A-T. GRCh37 (hg19) VCF-style: chr15-91334062-A-T.
Other names: c.3007A>T, p.Arg1003Ter (NM_001287246.2, NM_001287247.2); c.1882A>T, p.Arg628Ter (NM_001287248.2); short protein forms R1003*, R628*.
Identifiers: ClinVar variation 1998311 (VCV001998311.5), dbSNP rs2505517110, ClinGen allele CA393846604.
Genomic context (GRCh38, chr15:90,790,832, plus strand): 5'-GATGGGGAAATATCTCACTGCCTGCTTTTCTATACCTATCATGATGTGACCAGACTGAAA[A>T]GACTTATAATGAGTAAGCTGGGCTCCATTGTAGAGACATTCTGTCATCTTCAGCCTCATG-3'